The following is an entry in ClinVar:

ClinVar aggregate classification (germline): Uncertain significance (1 of 4 stars; one submission).

gnomAD v4.1: 3 of 1,614,210 alleles (0.00019%); highest among the groups gnomAD compares: African/African-American, 0.0013%; no homozygotes.

Submission:

Ambry Genetics
Classification: Uncertain significance. Last evaluated: 2025-02-08. Review status: criteria provided, single submitter. Criteria: Ambry Variant Classification Scheme 2023. Collection method: clinical testing. Allele origin: germline.
Comment: The p.T1071I variant (also known as c.3212C>T), located in coding exon 12 of the CDK12 gene, results from a C to T substitution at nucleotide position 3212. The threonine at codon 1071 is replaced by isoleucine, an amino acid with similar properties. This amino acid position is conserved. In addition, this alteration is predicted to be tolerated by in silico analysis. Based on the available evidence, the clinical significance of this variant remains unclear.

NM_016507.4(CDK12):c.3212C>T (p.Thr1071Ile)

Gene: CDK12 (cyclin dependent kinase 12; plus strand). Cytogenetic location: 17q12.
Variant type: single nucleotide variant.
Coding change: c.3212C>T on transcript NM_016507.4 (MANE Select); coding-DNA position 3212, C replaced by T.
Protein change: p.Thr1071Ile; replaces threonine 1071 with isoleucine.
Molecular consequence: missense variant.
Genome position (GRCh38, 1-based): chr17:39,524,790, C>T. VCF-style: chr17-39524790-C-T. GRCh37 (hg19) VCF-style: chr17-37681043-C-T.
Other names: c.3212C>T, p.Thr1071Ile (NM_015083.4); short protein forms T1071I.
Identifiers: ClinVar variation 3830627 (VCV003830627.1).